The following is an entry in ClinVar:

ClinVar aggregate classification (germline): Uncertain significance (1 of 4 stars; one submission).

Allele frequency attached by ClinVar (database versions not stated): gnomAD 0.00001; ExAC 0.00002; 1000 Genomes Project 30x 0.00016; 1000 Genomes Project 0.00020.
gnomAD v4.1: 58 of 1,536,398 alleles (0.0038%); highest among the groups gnomAD compares: East Asian, 0.0091%; no homozygotes.

Submission:

Labcorp Genetics (formerly Invitae), Labcorp
Classification: Uncertain significance. Last evaluated: 2025-09-17. Review status: criteria provided, single submitter. Criteria: Invitae Variant Classification Sherloc (09022015). Collection method: clinical testing. Allele origin: germline.
Comment: This sequence change replaces glycine, which is neutral and non-polar, with serine, which is neutral and polar, at codon 374 of the LZTS1 protein (p.Gly374Ser). This variant is present in population databases (rs577366847, gnomAD 0.02%). This variant has not been reported in the literature in individuals affected with LZTS1-related conditions. ClinVar contains an entry for this variant (Variation ID: 2721609). Invitae Evidence Modeling of protein sequence and biophysical properties (such as structural, functional, and spatial information, amino acid conservation, physicochemical variation, residue mobility, and thermodynamic stability) indicates that this missense variant is not expected to disrupt LZTS1 protein function with a negative predictive value of 80%. In summary, the available evidence is currently insufficient to determine the role of this variant in disease. Therefore, it has been classified as a Variant of Uncertain Significance.

NM_021020.5(LZTS1):c.1120G>A (p.Gly374Ser)

Gene: LZTS1 (leucine zipper tumor suppressor 1; minus strand). Cytogenetic location: 8p21.3.
Variant type: single nucleotide variant.
Coding change: c.1120G>A on transcript NM_021020.5 (MANE Select); coding-DNA position 1120, G replaced by A.
Protein change: p.Gly374Ser; replaces glycine 374 with serine.
Molecular consequence: missense variant.
Genome position (GRCh38, 1-based): chr8:20,252,811, C>T on the plus strand (G>A on the coding strand, the complement: LZTS1 is on the minus strand). VCF-style: chr8-20252811-C-T. GRCh37 (hg19) VCF-style: chr8-20110322-C-T.
Other names: c.1120G>A, p.Gly374Ser (NM_001362884.2); short protein forms G374S.
Identifiers: ClinVar variation 2721609 (VCV002721609.3), dbSNP rs577366847, ClinGen allele CA4657362.